The following is an entry in ClinVar:

NM_000455.5(STK11):c.374+3A>G

Gene: STK11 (serine/threonine kinase 11; plus strand). Cytogenetic location: 19p13.3.
Variant type: single nucleotide variant.
Coding change: c.374+3A>G on transcript NM_000455.5 (MANE Select); 3 bases into the intron after coding-DNA position 374, A replaced by G.
Molecular consequence: intron variant.
Genome position (GRCh38, 1-based): chr19:1,218,503, A>G. VCF-style: chr19-1218503-A-G. GRCh37 (hg19) VCF-style: chr19-1218502-A-G.
Identifiers: ClinVar variation 527825 (VCV000527825.6), dbSNP rs1555737481, ClinGen allele CA658799088.
Genomic context (GRCh38, chr19:1,218,503, plus strand): 5'-GGCACAAAAATGTCATCCAGCTGGTGGATGTGTTATACAACGAAGAGAAGCAGAAAATAT[A>G]TCCTTTCCGGTGTTGGGACCGCGGGGCCTCCGTGGGAGGGGCTGGGGCCCTGGGTCCGCC-3'

ClinVar aggregate classification (germline): Uncertain significance (1 of 4 stars; one submission).

Conditions:
Peutz-Jeghers syndrome (PJS). Also called: POLYPOSIS, HAMARTOMATOUS INTESTINAL; POLYPS-AND-SPOTS SYNDROME; Peutz-Jeghers polyposis; Periorificial lentiginosis syndrome. Identifiers: Orphanet 2869, MedGen C0031269, MeSH D010580, MONDO:0008280, OMIM 175200.

Submission:

Labcorp Genetics (formerly Invitae), Labcorp
Classification: Uncertain significance for Peutz-Jeghers syndrome. Last evaluated: 2017-12-27. Review status: criteria provided, single submitter. Criteria: Invitae Variant Classification Sherloc (09022015). Collection method: clinical testing. Allele origin: germline.
Comment: In summary, the available evidence is currently insufficient to determine the role of this variant in disease. Therefore, it has been classified as a Variant of Uncertain Significance. Nucleotide substitutions within the consensus splice site are a relatively common cause of aberrant splicing (PMID: 17576681, 9536098). Algorithms developed to predict the effect of sequence changes on RNA splicing suggest that this variant is not likely to affect RNA splicing, but this prediction has not been confirmed by published transcriptional studies. This variant has not been reported in the literature in individuals with STK11-related disease. This variant is not present in population databases (ExAC no frequency). This sequence change falls in intron 2 of the STK11 gene. It does not directly change the encoded amino acid sequence of the STK11 protein, but it affects a nucleotide within the consensus splice site of the intron.

Literature cited by the submitters: PubMed 17576681; PubMed 9536098.